The following is an entry in ClinVar:

NM_001142800.2(EYS):c.8424del (p.Ser2809fs)

Genes: EYS (EGF-like photoreceptor maintenance factor; minus strand), PHF3 (PHD finger protein 3; plus strand). Cytogenetic location: 6q12.
Variant type: Deletion.
Coding change: c.8424del on transcript NM_001142800.2 (MANE Select); coding-DNA position 8424, one base deleted (C; older notation c.8424delC).
Protein change: p.Ser2809fs; shifts the reading frame from serine 2809.
Molecular consequence: frameshift variant. On other transcripts: 3 prime UTR variant (5).
Genome position (GRCh38, 1-based): chr6:63,721,607, G deleted on the plus strand (C on the coding strand, the reverse complement: EYS is on the minus strand); the first of 2 consecutive G bases (chr6:63,721,607-63,721,608); deleting either gives the same sequence. VCF-style (leftmost placement, unchanged base first): chr6-63721606-AG-A. GRCh37 (hg19) VCF-style: chr6-64431502-AG-A.
Other names: c.*7900del (NM_001290259.2, NM_001370348.2, NM_001370349.2 and 2 more transcripts); c.8487del, p.Ser2830fs (NM_001292009.2); short protein forms S2830fs, S2809fs.
Identifiers: ClinVar variation 860558 (VCV000860558.9), dbSNP rs1768393965, ClinGen allele CA916082858.

ClinVar aggregate classification (germline): Pathogenic (1 of 4 stars; one submission).

Submission:

Labcorp Genetics (formerly Invitae), Labcorp
Classification: Pathogenic. Last evaluated: 2019-03-05. Review status: criteria provided, single submitter. Criteria: Invitae Variant Classification Sherloc (09022015). Collection method: clinical testing. Allele origin: germline.
Comment: This sequence change results in a premature translational stop signal in the EYS gene (p.Ser2809Profs*4). While this is not anticipated to result in nonsense mediated decay, it is expected to disrupt the last 336 amino acids of the EYS protein. This variant is not present in population databases (ExAC no frequency). This variant has not been reported in the literature in individuals with EYS-related conditions. This variant disrupts the C-terminus of the EYS protein. Other variant(s) that disrupt this region (p.Tyr3135* also known as p.Tyr3156X in the literature) have been determined to be pathogenic (PMID: 18976725, 30337596). This suggests that variants that disrupt this region of the protein are likely to be causative of disease. For these reasons, this variant has been classified as Pathogenic.

Literature cited by the submitters: PubMed 18976725; PubMed 30337596.